The following is an entry in ClinVar:

ClinVar aggregate classification (germline): Uncertain significance. Review status: criteria provided, multiple submitters, no conflicts (2 of 4 stars). 2 submissions from 2 submitters: Uncertain significance (2). Last evaluated 2023-11-22.

Conditions:
Hereditary cancer-predisposing syndrome. Also called: Hereditary neoplastic syndrome; Neoplastic Syndromes, Hereditary; Hereditary Cancer Syndrome; Tumor predisposition. Identifiers: Orphanet 140162, MedGen C0027672, MeSH D009386, MONDO:0015356.
Familial adenomatous polyposis 1 (FAP1). Also called: FAMILIAL ADENOMATOUS POLYPOSIS 1, ATTENUATED; POLYPOSIS, ADENOMATOUS INTESTINAL. Identifiers: MedGen C2713442, MONDO:0021056, OMIM 175100. Disease mechanism: loss of function.

Submissions (2):

Ambry Genetics
Classification: Uncertain significance for Hereditary cancer-predisposing syndrome. Last evaluated: 2023-11-22. Review status: criteria provided, single submitter. Criteria: Ambry Variant Classification Scheme 2023. Collection method: clinical testing. Allele origin: germline.
Comment: The p.I606R variant (also known as c.1817T>G), located in coding exon 14 of the APC gene, results from a T to G substitution at nucleotide position 1817. The isoleucine at codon 606 is replaced by arginine, an amino acid with similar properties. This amino acid position is conserved. In addition, in silico predictors for this gene do not accurately predict pathogenicity. Since supporting evidence is limited at this time, the clinical significance of this alteration remains unclear.

Labcorp Genetics (formerly Invitae), Labcorp
Classification: Uncertain significance for Familial adenomatous polyposis 1. Last evaluated: 2022-08-18. Review status: criteria provided, single submitter. Criteria: Invitae Variant Classification Sherloc (09022015). Collection method: clinical testing. Allele origin: germline.
Comment: In summary, the available evidence is currently insufficient to determine the role of this variant in disease. Therefore, it has been classified as a Variant of Uncertain Significance. Algorithms developed to predict the effect of missense changes on protein structure and function (SIFT, PolyPhen-2, Align-GVGD) all suggest that this variant is likely to be disruptive. This variant has not been reported in the literature in individuals affected with APC-related conditions. This variant is not present in population databases (gnomAD no frequency). This sequence change replaces isoleucine, which is neutral and non-polar, with arginine, which is basic and polar, at codon 606 of the APC protein (p.Ile606Arg).

NM_000038.6(APC):c.1817T>G (p.Ile606Arg)

Gene: APC (APC regulator of Wnt signaling pathway; plus strand). Cytogenetic location: 5q22.2.
Variant type: single nucleotide variant.
Coding change: c.1817T>G on transcript NM_000038.6 (MANE Select); coding-DNA position 1817, T replaced by G.
Protein change: p.Ile606Arg; replaces isoleucine 606 with arginine.
Molecular consequence: missense variant.
Genome position (GRCh38, 1-based): chr5:112,835,024, T>G. VCF-style: chr5-112835024-T-G. GRCh37 (hg19) VCF-style: chr5-112170721-T-G.
Other names: c.1817T>G, p.Ile606Arg (NM_001127510.3, NM_001354895.2, NM_001407450.1); c.1763T>G, p.Ile588Arg (NM_001127511.3); c.1871T>G, p.Ile624Arg (NM_001354896.2, NM_001407447.1, NM_001407448.1 and 1 more transcripts); c.1847T>G, p.Ile616Arg (NM_001354897.2); c.1742T>G, p.Ile581Arg (NM_001354898.2); c.1733T>G, p.Ile578Arg (NM_001354899.2); c.1694T>G, p.Ile565Arg (NM_001354900.2); c.1640T>G, p.Ile547Arg (NM_001354901.2, NM_001407453.1); and 12 more; short protein forms I222R, I323R, I446R, I477R, I480R, I505R, I515R, I523R.
Identifiers: ClinVar variation 1716652 (VCV001716652.7), dbSNP rs781337455, ClinGen allele CA16025299.